The following is an entry in ClinVar:

ClinVar aggregate classification (germline): Uncertain significance (1 of 4 stars; one submission).

Submission:

Women's Health and Genetics/Laboratory Corporation of America, LabCorp
Classification: Uncertain significance. Last evaluated: 2022-11-30. Review status: criteria provided, single submitter. Criteria: LabCorp Variant Classification Summary - May 2015. Collection method: clinical testing. Allele origin: germline.
Comment: Variant summary: ASXL3 c.2542T>A (p.Tyr848Asn) results in a non-conservative amino acid change in the encoded protein sequence. Three of five in-silico tools predict a benign effect of the variant on protein function. The variant was absent in 248952 control chromosomes (gnomAD). The available data on variant occurrences in the general population are insufficient to allow any conclusion about variant significance. To our knowledge, no occurrence of c.2542T>A in individuals affected with Bainbridge-Ropers Syndrome and no experimental evidence demonstrating its impact on protein function have been reported. No clinical diagnostic laboratories have submitted clinical-significance assessments for this variant to ClinVar after 2014. Based on the evidence outlined above, the variant was classified as uncertain significance.

NM_030632.3(ASXL3):c.2542T>A (p.Tyr848Asn)

Gene: ASXL3 (ASXL transcriptional regulator 3; plus strand). Cytogenetic location: 18q12.1.
Variant type: single nucleotide variant.
Coding change: c.2542T>A on transcript NM_030632.3 (MANE Select); coding-DNA position 2542, T replaced by A.
Protein change: p.Tyr848Asn; replaces tyrosine 848 with asparagine.
Molecular consequence: missense variant.
Genome position (GRCh38, 1-based): chr18:33,739,946, T>A. VCF-style: chr18-33739946-T-A. GRCh37 (hg19) VCF-style: chr18-31319910-T-A.
Other names: short protein forms Y848N.
Identifiers: ClinVar variation 1804837 (VCV001804837.1), dbSNP rs2510919993, ClinGen allele CA402180517.